The following is an entry in ClinVar:

ClinVar aggregate classification (germline): Uncertain significance (1 of 4 stars; one submission).

gnomAD v4.1: 1 of 1,614,240 alleles (0.000062%); highest among the groups gnomAD compares: South Asian, 0.0011%; no homozygotes.

Submission:

Labcorp Genetics (formerly Invitae), Labcorp
Classification: Uncertain significance. Last evaluated: 2024-02-20. Review status: criteria provided, single submitter. Criteria: Invitae Variant Classification Sherloc (09022015). Collection method: clinical testing. Allele origin: germline.
Comment: This sequence change replaces aspartic acid, which is acidic and polar, with histidine, which is basic and polar, at codon 763 of the KIF23 protein (p.Asp763His). This variant is not present in population databases (gnomAD no frequency). This variant has not been reported in the literature in individuals affected with KIF23-related conditions. An algorithm developed to predict the effect of missense changes on protein structure and function (PolyPhen-2) suggests that this variant is likely to be disruptive. In summary, the available evidence is currently insufficient to determine the role of this variant in disease. Therefore, it has been classified as a Variant of Uncertain Significance.

NM_001367805.3(KIF23):c.2329G>C (p.Asp777His)

Gene: KIF23 (kinesin family member 23; plus strand). Cytogenetic location: 15q23.
Variant type: single nucleotide variant.
Coding change: c.2329G>C on transcript NM_001367805.3 (MANE Select); coding-DNA position 2329, G replaced by C.
Protein change: p.Asp777His; replaces aspartic acid 777 with histidine.
Molecular consequence: missense variant. On other transcripts: non-coding transcript variant (1), intron variant (1).
Genome position (GRCh38, 1-based): chr15:69,440,987, G>C. VCF-style: chr15-69440987-G-C. GRCh37 (hg19) VCF-style: chr15-69733326-G-C.
Other names: c.1957G>C, p.Asp653His (NM_001281301.2); c.2287G>C, p.Asp763His (NM_001367804.2, NM_138555.4); c.2067+500G>C (NM_004856.7); short protein forms D763H, D653H, D777H.
Identifiers: ClinVar variation 3642278 (VCV003642278.2).